The following is an entry in ClinVar:

ClinVar aggregate classification (germline): Uncertain significance. Review status: criteria provided, multiple submitters, no conflicts (2 of 4 stars). 2 submissions from 2 submitters: Uncertain significance (2). Last evaluated 2023-01-29.

Conditions:
Epidermolysis bullosa simplex 5B, with muscular dystrophy (EBS5B). Also called: EPIDERMOLYSIS BULLOSA SIMPLEX AND LIMB-GIRDLE MUSCULAR DYSTROPHY; Epidermolysis bullosa simplex with muscular dystrophy. Identifiers: Orphanet 257, MedGen C2931072, MONDO:0009181, OMIM 226670.
Epidermolysis bullosa simplex with nail dystrophy (EBS5D). Identifiers: MedGen C4225309, MONDO:0014661, OMIM 616487.
Epidermolysis bullosa simplex 5C, with pyloric atresia (EBS5C). Also called: PLEC-Related Epidermolysis Bullosa with Pyloric Atresia; Epidermolysis bullosa simplex with pyloric atresia; PLEC1-Related Epidermolysis Bullosa with Pyloric Atresia. Identifiers: Orphanet 158684, MedGen C2677349, MONDO:0012807, OMIM 612138.
Autosomal recessive limb-girdle muscular dystrophy type 2Q (LGMDR17). Also called: MUSCULAR DYSTROPHY, LIMB-GIRDLE, AUTOSOMAL RECESSIVE 17. Identifiers: Orphanet 254361, MedGen C3150989, MONDO:0013390, OMIM 613723.
Epidermolysis bullosa simplex, Ogna type (EBS5A). Also called: EPIDERMOLYSIS BULLOSA SIMPLEX 5A, OGNA TYPE; Pidermolysis bullosa simplex 5A, Ogna type. Identifiers: Orphanet 79401, MedGen C0432317, MONDO:0007555, OMIM 131950.

Allele frequency attached by ClinVar (database versions not stated): gnomAD exomes below 0.00001.
gnomAD v4.1: 1 of 1,582,028 alleles (0.000063%); highest among the groups gnomAD compares: Non-Finnish European, 0.000085%; no homozygotes.

Submissions (2):

Labcorp Genetics (formerly Invitae), Labcorp
Classification: Uncertain significance for Autosomal recessive limb-girdle muscular dystrophy type 2Q; Epidermolysis bullosa simplex, Ogna type; Epidermolysis bullosa simplex with nail dystrophy; Epidermolysis bullosa simplex 5C, with pyloric atresia; Epidermolysis bullosa simplex 5B, with muscular dystrophy. Last evaluated: 2023-01-29. Review status: criteria provided, single submitter. Criteria: Invitae Variant Classification Sherloc (09022015). Collection method: clinical testing. Allele origin: germline.
Comment: This variant has not been reported in the literature in individuals affected with PLEC-related conditions. In summary, the available evidence is currently insufficient to determine the role of this variant in disease. Therefore, it has been classified as a Variant of Uncertain Significance. Algorithms developed to predict the effect of missense changes on protein structure and function (SIFT, PolyPhen-2, Align-GVGD) all suggest that this variant is likely to be tolerated. This variant is not present in population databases (gnomAD no frequency). This sequence change replaces alanine, which is neutral and non-polar, with valine, which is neutral and non-polar, at codon 2066 of the PLEC protein (p.Ala2066Val).

Revvity Omics, Revvity
Classification: Uncertain significance. Last evaluated: 2021-09-08. Review status: criteria provided, single submitter. Criteria: ACMG Guidelines, 2015. Collection method: clinical testing. Allele origin: germline.

NM_201384.3(PLEC):c.6116C>T (p.Ala2039Val)

Gene: PLEC (plectin; minus strand). Cytogenetic location: 8q24.3.
Variant type: single nucleotide variant.
Coding change: c.6116C>T on transcript NM_201384.3 (MANE Select); coding-DNA position 6116, C replaced by T.
Protein change: p.Ala2039Val; replaces alanine 2039 with valine.
Molecular consequence: missense variant.
Genome position (GRCh38, 1-based): chr8:143,923,813, G>A on the plus strand (C>T on the coding strand, the complement: PLEC is on the minus strand). VCF-style: chr8-143923813-G-A. GRCh37 (hg19) VCF-style: chr8-144997981-G-A.
Other names: c.6197C>T, p.Ala2066Val (NM_000445.5); c.6074C>T, p.Ala2025Val (NM_201378.4); c.6050C>T, p.Ala2017Val (NM_201379.3); c.6527C>T, p.Ala2176Val (NM_201380.4); c.6020C>T, p.Ala2007Val (NM_201381.3); c.6116C>T, p.Ala2039Val (NM_201382.4); c.6128C>T, p.Ala2043Val (NM_201383.3); short protein forms A2007V, A2017V, A2025V, A2039V, A2043V, A2066V, A2176V.
Identifiers: ClinVar variation 2434975 (VCV002434975.6), dbSNP rs2537800635, ClinGen allele CA372538937.